The following is an entry in ClinVar:

ClinVar aggregate classification (germline): Uncertain significance (1 of 4 stars; one submission).

Allele frequency attached by ClinVar (database versions not stated): gnomAD exomes below 0.00001; TOPMed 0.00002.
gnomAD v4.1: 2 of 1,614,194 alleles (0.00012%); highest among the groups gnomAD compares: Admixed American, 0.0017%; no homozygotes.

Submission:

Labcorp Genetics (formerly Invitae), Labcorp
Classification: Uncertain significance. Last evaluated: 2022-02-24. Review status: criteria provided, single submitter. Criteria: Invitae Variant Classification Sherloc (09022015). Collection method: clinical testing. Allele origin: germline.
Comment: This sequence change replaces arginine, which is basic and polar, with lysine, which is basic and polar, at codon 113 of the BMP1 protein (p.Arg113Lys). This variant is not present in population databases (gnomAD no frequency). This variant has not been reported in the literature in individuals affected with BMP1-related conditions. Algorithms developed to predict the effect of missense changes on protein structure and function output the following: SIFT: "Tolerated"; PolyPhen-2: "Benign"; Align-GVGD: "Class C0". The lysine amino acid residue is found in multiple mammalian species, which suggests that this missense change does not adversely affect protein function. Algorithms developed to predict the effect of sequence changes on RNA splicing suggest that this variant may create or strengthen a splice site. In summary, the available evidence is currently insufficient to determine the role of this variant in disease. Therefore, it has been classified as a Variant of Uncertain Significance.

NM_006129.5(BMP1):c.338G>A (p.Arg113Lys)

Gene: BMP1 (bone morphogenetic protein 1; plus strand). Cytogenetic location: 8p21.3.
Variant type: single nucleotide variant.
Coding change: c.338G>A on transcript NM_006129.5 (MANE Select); coding-DNA position 338, G replaced by A.
Protein change: p.Arg113Lys; replaces arginine 113 with lysine.
Molecular consequence: missense variant. On other transcripts: non-coding transcript variant (2).
Genome position (GRCh38, 1-based): chr8:22,176,218, G>A. VCF-style: chr8-22176218-G-A. GRCh37 (hg19) VCF-style: chr8-22033731-G-A.
Other names: c.338G>A, p.Arg113Lys (NM_001199.4); short protein forms R113K.
Identifiers: ClinVar variation 2100958 (VCV002100958.1), dbSNP rs1030509678, ClinGen allele CA173491765.